The following is an entry in ClinVar:

NM_001903.5(CTNNA1):c.15T>C (p.His5=)

Gene: CTNNA1 (catenin alpha 1; plus strand). Cytogenetic location: 5q31.2.
Variant type: single nucleotide variant.
Coding change: c.15T>C on transcript NM_001903.5 (MANE Select); coding-DNA position 15, T replaced by C.
Protein change: p.His5=; no amino-acid change (histidine 5 retained).
Molecular consequence: synonymous variant. On other transcripts: 5 prime UTR variant (2).
Genome position (GRCh38, 1-based): chr5:138,781,939, T>C. VCF-style: chr5-138781939-T-C. GRCh37 (hg19) VCF-style: chr5-138117628-T-C.
Other names: c.15T>C, p.His5= (NM_001290307.3, NM_001323982.2, NM_001323983.1 and 3 more transcripts); c.-99T>C (NM_001290309.3); c.-192T>C (NM_001290310.3); c.15T>C (NM_001903.2).
Identifiers: ClinVar variation 763870 (VCV000763870.10), dbSNP rs1580977968, ClinGen allele CA446724731.

ClinVar aggregate classification (germline): Benign/Likely benign. Review status: criteria provided, multiple submitters, no conflicts (2 of 4 stars). 3 submissions from 3 submitters: Benign (1); Likely benign (2). Last evaluated 2024-10-09.

Conditions:
Hereditary cancer-predisposing syndrome. Also called: Tumor predisposition; Hereditary Cancer Syndrome; Neoplastic Syndromes, Hereditary; Hereditary neoplastic syndrome. Identifiers: Orphanet 140162, MedGen C0027672, MeSH D009386, MONDO:0015356.
Hereditary diffuse gastric adenocarcinoma (HDGC). Also called: DIFFUSE GASTRIC AND LOBULAR BREAST CANCER SYNDROME. Identifiers: Orphanet 26106, MedGen C1708349, MONDO:0007648, OMIM 137215.

Submissions (3):

Myriad Genetics, Inc.
Classification: Benign for Hereditary diffuse gastric adenocarcinoma. Last evaluated: 2024-10-09. Review status: criteria provided, single submitter. Criteria: Myriad Autosomal Dominant, Autosomal Recessive and X-Linked Classification Criteria (2023). Collection method: clinical testing. Allele origin: unknown.
Comment: This variant is considered benign. This variant is a silent/synonymous amino acid change and it is not expected to impact splicing.

Ambry Genetics
Classification: Likely benign for Hereditary cancer-predisposing syndrome. Last evaluated: 2024-08-26. Review status: criteria provided, single submitter. Criteria: Ambry Variant Classification Scheme 2023. Collection method: clinical testing. Allele origin: germline.

Labcorp Genetics (formerly Invitae), Labcorp
Classification: Likely benign. Last evaluated: 2022-03-08. Review status: criteria provided, single submitter. Criteria: Invitae Variant Classification Sherloc (09022015). Collection method: clinical testing. Allele origin: germline.